The following is an entry in ClinVar:

NC_000004.12:g.1395174C>T

Genes: CRIPAK (cysteine rich PAK1 inhibitor; plus strand), UVSSA (UV stimulated scaffold protein A; plus strand), LOC126806945 (P300/CBP strongly-dependent group 1 enhancer GRCh37_chr4:1388225-1389424; plus strand). Cytogenetic location: 4p16.3.
Variant type: single nucleotide variant.
Genome position: GRCh38 VCF-style: chr4-1395174-C-T. GRCh37 (hg19) VCF-style: chr4-1388962-C-T.
Identifiers: ClinVar variation 4085245 (VCV004085245.8).

ClinVar aggregate classification (germline): Likely benign (1 of 4 stars; one submission).

Submission:

CeGaT Center for Human Genetics Tuebingen
Classification: Likely benign. Last evaluated: 2025-06-01. Review status: criteria provided, single submitter. Criteria: CeGaT Center For Human Genetics Tuebingen Variant Classification Criteria Version 2. Collection method: clinical testing. Allele origin: germline. Affected: yes. Observed: 1 variant allele.
Comment: CRIPAK: PM2:Supporting, BP4, BP7